The following is an entry in ClinVar:

ClinVar aggregate classification (germline): Likely benign (1 of 4 stars; one submission).

Submission:

CeGaT Center for Human Genetics Tuebingen
Classification: Likely benign. Last evaluated: 2026-07-01. Review status: criteria provided, single submitter. Criteria: CeGaT Center For Human Genetics Tuebingen Variant Classification Criteria Version 2. Collection method: clinical testing. Allele origin: germline. Affected: yes. Observed: 1 variant allele.
Comment: TAF6: PM2:Supporting, BP4, BP7

NM_139315.3(TAF6):c.1950T>C (p.Ala650=)

Genes: AP4M1 (adaptor related protein complex 4 subunit mu 1; plus strand), TAF6 (TATA-box binding protein associated factor 6; minus strand). Cytogenetic location: 7q22.1.
Variant type: single nucleotide variant.
Coding change: c.1950T>C on transcript NM_139315.3 (MANE Select); coding-DNA position 1950, T replaced by C.
Protein change: p.Ala650=; no amino-acid change (alanine 650 retained).
Molecular consequence: synonymous variant. On other transcripts: non-coding transcript variant (2), 3 prime UTR variant (11).
Genome position (GRCh38, 1-based): chr7:100,107,330, A>G on the plus strand (T>C on the coding strand, the complement: TAF6 is on the minus strand). VCF-style: chr7-100107330-A-G. GRCh37 (hg19) VCF-style: chr7-99704953-A-G.
Other names: c.2061T>C, p.Ala687= (NM_001190415.2); c.1950T>C, p.Ala650= (NM_001364998.1, NM_001364999.1, NM_005641.4); c.1920T>C, p.Ala640= (NM_001365000.1, NM_001365001.1, NM_001365002.1 and 1 more transcripts); c.2088T>C, p.Ala696= (NM_001365004.1); c.*448A>G (NM_001363671.2, NM_001438824.1, NM_001438825.1 and 8 more transcripts).
Identifiers: ClinVar variation 5039745 (VCV005039745.1).